The following is an entry in ClinVar:

ClinVar aggregate classification (germline): Likely benign (1 of 4 stars; one submission).

Conditions:
White sponge nevus 1. Also called: LEUKOKERATOSIS, HEREDITARY MUCOSAL. Identifiers: MedGen C4011926, MONDO:0008676, OMIM 193900.

Allele frequency attached by ClinVar (database versions not stated): TOPMed 0.00002; ExAC 0.00004; gnomAD 0.00004; gnomAD exomes 0.00004 and 0.00013.
gnomAD v4.1: 195 of 1,614,078 alleles (0.012%); highest among the groups gnomAD compares: Non-Finnish European, 0.015%; no homozygotes.

Submission:

Illumina Laboratory Services, Illumina
Classification: Likely benign for White sponge nevus 1. Last evaluated: 2018-01-12. Review status: criteria provided, single submitter. Criteria: ICSL Variant Classification Criteria 13 December 2019. Collection method: clinical testing. Allele origin: germline.
Comment: This variant was observed in the ICSL laboratory as part of a predisposition screen in an ostensibly healthy population. It had not been previously curated by ICSL or reported in the Human Gene Mutation Database (HGMD: prior to June 1st, 2018), and was therefore a candidate for classification through an automated scoring system. Utilizing variant allele frequency, disease prevalence and penetrance estimates, and inheritance mode, an automated score was calculated to assess if this variant is too frequent to cause the disease. Based on the score and internal cut-off values, a variant classified as likely benign is not then subjected to further curation. The score for this variant resulted in a classification of likely benign for this disease.

NM_002272.4(KRT4):c.954T>C (p.Ile318=)

Gene: KRT4 (keratin 4; minus strand). Cytogenetic location: 12q13.13.
Variant type: single nucleotide variant.
Coding change: c.954T>C on transcript NM_002272.4 (MANE Select); coding-DNA position 954, T replaced by C.
Protein change: p.Ile318=; no amino-acid change (isoleucine 318 retained).
Molecular consequence: synonymous variant.
Genome position (GRCh38, 1-based): chr12:52,808,731, A>G on the plus strand (T>C on the coding strand, the complement: KRT4 is on the minus strand). VCF-style: chr12-52808731-A-G. GRCh37 (hg19) VCF-style: chr12-53202515-A-G.
Identifiers: ClinVar variation 881187 (VCV000881187.4), dbSNP rs770727989, ClinGen allele CA6588546.
Genomic context (GRCh38, chr12:52,808,731, plus strand): 5'-ATCCATACCACCCACCTTGGTCTGGTACAGGGCTTCAGCCTCAGCCTTGCTCCTCTGGGC[A>G]ATCTCCTCGTACTGGGCACGGACCTCGGCAATAATGCTGTCCAGGTCCAGGTTGCGGTTG-3'
Protein context (NP_002263.3, residues 308-328): IAEVRAQYEE[Ile318=]AQRSKAEAEA